The following is an entry in ClinVar:

NM_018834.6(MATR3):c.2264A>G (p.Asn755Ser)

Gene: MATR3 (matrin 3; plus strand). Cytogenetic location: 5q31.2.
Variant type: single nucleotide variant.
Coding change: c.2264A>G on transcript NM_018834.6 (MANE Select); coding-DNA position 2264, A replaced by G.
Protein change: p.Asn755Ser; replaces asparagine 755 with serine.
Molecular consequence: missense variant.
Genome position (GRCh38, 1-based): chr5:139,325,555, A>G. VCF-style: chr5-139325555-A-G. GRCh37 (hg19) VCF-style: chr5-138661244-A-G.
Other names: c.2264A>G, p.Asn755Ser (NM_001194954.2, NM_001194955.2, NM_199189.3); c.1400A>G, p.Asn467Ser (NM_001194956.2); c.1250A>G, p.Asn417Ser (NM_001282278.2); c.2264A>G (NM_199189.2); short protein forms N417S, N467S, N755S.
Identifiers: ClinVar variation 1351334 (VCV001351334.10), dbSNP rs144637575, ClinGen allele CA3433404.

ClinVar aggregate classification (germline): Uncertain significance. Review status: criteria provided, multiple submitters, no conflicts (2 of 4 stars). 3 submissions from 3 submitters: Uncertain significance (3). Last evaluated 2025-08-20.

Conditions:
Amyotrophic lateral sclerosis type 21. Also called: MYOPATHY, DISTAL, 2; VOCAL CORD AND PHARYNGEAL DYSFUNCTION WITH DISTAL MYOPATHY. Identifiers: Orphanet 600, Orphanet 803, MedGen C3807521, MONDO:0011632, OMIM 606070.
Inborn genetic diseases. Identifiers: MedGen C0950123, MeSH D030342.

Allele frequency attached by ClinVar (database versions not stated): gnomAD exomes below 0.00001 and 0.00002; ESP Exome Variant Server 0.00015; TOPMed 0.00008; gnomAD 0.00009; ExAC 0.00002.
gnomAD v4.1: 21 of 1,614,088 alleles (0.0013%); highest among the groups gnomAD compares: African/African-American, 0.023%; no homozygotes.

Submissions (3):

Ambry Genetics
Classification: Uncertain significance for Inborn genetic diseases. Last evaluated: 2025-08-20. Review status: criteria provided, single submitter. Criteria: Ambry Variant Classification Scheme 2023. Collection method: clinical testing. Allele origin: germline.

Dasa
Classification: Uncertain significance. Last evaluated: 2025-05-21. Review status: criteria provided, single submitter. Criteria: DASA Assertion Criteria. Collection method: clinical testing. Allele origin: germline.
Comment: NM_018834.6(MATR3):c.2264A>G (p.Asn755Ser) is a missense variant that results in the substitution of asparagine with serine. This variant is rare in population databases. Computational prediction algorithms are consistent with a benign effect. The currently available literature and clinical evidence are not sufficient to establish a definitive association between this variant and the reported condition. Therefore, this variant is classified as a variant of uncertain significance.

Labcorp Genetics (formerly Invitae), Labcorp
Classification: Uncertain significance for Amyotrophic lateral sclerosis type 21. Last evaluated: 2025-03-05. Review status: criteria provided, single submitter. Criteria: Invitae Variant Classification Sherloc (09022015). Collection method: clinical testing. Allele origin: germline.
Comment: This sequence change replaces asparagine, which is neutral and polar, with serine, which is neutral and polar, at codon 755 of the MATR3 protein (p.Asn755Ser). This variant is present in population databases (rs144637575, gnomAD 0.03%). This variant has not been reported in the literature in individuals affected with MATR3-related conditions. ClinVar contains an entry for this variant (Variation ID: 1351334). Invitae Evidence Modeling of protein sequence and biophysical properties (such as structural, functional, and spatial information, amino acid conservation, physicochemical variation, residue mobility, and thermodynamic stability) indicates that this missense variant is not expected to disrupt MATR3 protein function with a negative predictive value of 80%. In summary, the available evidence is currently insufficient to determine the role of this variant in disease. Therefore, it has been classified as a Variant of Uncertain Significance.